The following is an entry in ClinVar:

NM_000219.6(KCNE1):c.280T>C (p.Tyr94His)

Gene: KCNE1 (potassium voltage-gated channel subfamily E regulatory subunit 1; minus strand). Cytogenetic location: 21q22.12.
Variant type: single nucleotide variant.
Coding change: c.280T>C on transcript NM_000219.6 (MANE Select); coding-DNA position 280, T replaced by C.
Protein change: p.Tyr94His; replaces tyrosine 94 with histidine.
Molecular consequence: missense variant.
Genome position (GRCh38, 1-based): chr21:34,449,355, A>G on the plus strand (T>C on the coding strand, the complement: KCNE1 is on the minus strand). VCF-style: chr21-34449355-A-G. GRCh37 (hg19) VCF-style: chr21-35821653-A-G.
Other names: c.280T>C, p.Tyr94His (NM_001127668.4, NM_001127669.4, NM_001127670.4 and 4 more transcripts); short protein forms Y94H.
Identifiers: ClinVar variation 2453429 (VCV002453429.4), dbSNP rs1980968880, ClinGen allele CA410198113.

ClinVar aggregate classification (germline): Uncertain significance (1 of 4 stars; one submission).

Conditions:
Cardiovascular phenotype. Identifiers: MedGen CN230736.

Allele frequency attached by ClinVar (database versions not stated): TOPMed below 0.00001.

Submissions (2):

Ambry Genetics
Classification: Uncertain significance for Cardiovascular phenotype. Last evaluated: 2022-12-25. Review status: criteria provided, single submitter. Criteria: Ambry Variant Classification Scheme 2023. Collection method: clinical testing. Allele origin: germline.
Comment: The p.Y94H variant (also known as c.280T>C), located in coding exon 1 of the KCNE1 gene, results from a T to C substitution at nucleotide position 280. The tyrosine at codon 94 is replaced by histidine, an amino acid with similar properties. This amino acid position is conserved. In addition, this alteration is predicted to be tolerated by in silico analysis. Since supporting evidence is limited at this time, the clinical significance of this alteration remains unclear.

Roden Lab, Vanderbilt University Medical Center
No classification provided (evidence only). Condition: Long QT syndrome 5. Review status: no classification provided. Collection method: in vitro. Allele origin: not applicable. Functional consequence: Effect on ion channel function. Not counted in ClinVar's aggregate classification.
ClinVar note: "not provided" was previously submitted as the classification for the variant. However, the classification appeared to be based only on an observation of functional data so it was converted to no classification on 2025-07-30.